The following is an entry in ClinVar:

NM_004360.5(CDH1):c.2110G>C (p.Gly704Arg)

Gene: CDH1 (cadherin 1; plus strand). Cytogenetic location: 16q22.1.
Variant type: single nucleotide variant.
Coding change: c.2110G>C on transcript NM_004360.5 (MANE Select); coding-DNA position 2110, G replaced by C.
Protein change: p.Gly704Arg; replaces glycine 704 with arginine.
Molecular consequence: missense variant.
Genome position (GRCh38, 1-based): chr16:68,823,572, G>C. VCF-style: chr16-68823572-G-C. GRCh37 (hg19) VCF-style: chr16-68857475-G-C.
Other names: c.1927G>C, p.Gly643Arg (NM_001317184.2); c.562G>C, p.Gly188Arg (NM_001317185.2); c.145G>C, p.Gly49Arg (NM_001317186.2); short protein forms G188R, G49R, G643R, G704R.
Identifiers: ClinVar variation 966706 (VCV000966706.11), dbSNP rs1567513430, ClinGen allele CA396467869.
Genomic context (GRCh38, chr16:68,823,572, plus strand): 5'-AGCGTGTGTGACTGTGAAGGGGCCGCTGGCGTCTGTAGGAAGGCACAGCCTGTCGAAGCA[G>C]GATTGCAAATTCCTGCCATTCTGGGGATTCTTGGAGGAATTCTTGCTTTGCTAAGTAAGT-3'
Protein context (NP_004351.1, residues 694-714): VCRKAQPVEA[Gly704Arg]LQIPAILGIL

ClinVar aggregate classification (germline): Uncertain significance. Review status: criteria provided, multiple submitters, no conflicts (2 of 4 stars). 2 submissions from 2 submitters: Uncertain significance (2). Last evaluated 2024-12-17.

Conditions:
Hereditary cancer-predisposing syndrome. Also called: Hereditary neoplastic syndrome; Hereditary Cancer Syndrome; Tumor predisposition; Neoplastic Syndromes, Hereditary. Identifiers: Orphanet 140162, MedGen C0027672, MeSH D009386, MONDO:0015356.
Hereditary diffuse gastric adenocarcinoma (HDGC). Also called: DIFFUSE GASTRIC AND LOBULAR BREAST CANCER SYNDROME. Identifiers: Orphanet 26106, MedGen C1708349, MONDO:0007648, OMIM 137215.

Allele frequency attached by ClinVar (database versions not stated): gnomAD exomes below 0.00001.
gnomAD v4.1: 1 of 1,613,916 alleles (0.000062%); highest among the groups gnomAD compares: Non-Finnish European, 0.000085%; no homozygotes.

Submissions (2):

Labcorp Genetics (formerly Invitae), Labcorp
Classification: Uncertain significance for Hereditary diffuse gastric adenocarcinoma. Last evaluated: 2024-12-17. Review status: criteria provided, single submitter. Criteria: Invitae Variant Classification Sherloc (09022015). Collection method: clinical testing. Allele origin: germline.
Comment: This sequence change replaces glycine, which is neutral and non-polar, with arginine, which is basic and polar, at codon 704 of the CDH1 protein (p.Gly704Arg). This variant is not present in population databases (gnomAD no frequency). This variant has not been reported in the literature in individuals affected with CDH1-related conditions. ClinVar contains an entry for this variant (Variation ID: 966706). An algorithm developed to predict the effect of missense changes on protein structure and function (PolyPhen-2) suggests that this variant is likely to be disruptive. In summary, the available evidence is currently insufficient to determine the role of this variant in disease. Therefore, it has been classified as a Variant of Uncertain Significance.

Ambry Genetics
Classification: Uncertain significance for Hereditary cancer-predisposing syndrome. Last evaluated: 2024-01-26. Review status: criteria provided, single submitter. Criteria: Ambry Variant Classification Scheme 2023. Collection method: clinical testing. Allele origin: germline.
Comment: The p.G704R variant (also known as c.2110G>C), located in coding exon 13 of the CDH1 gene, results from a G to C substitution at nucleotide position 2110. The glycine at codon 704 is replaced by arginine, an amino acid with dissimilar properties. This amino acid position is well conserved in available vertebrate species. In addition, the in silico prediction for this alteration is inconclusive. Based on the available evidence, the clinical significance of this alteration remains unclear.